The following is an entry in ClinVar:

ClinVar aggregate classification (germline): Uncertain significance. Review status: criteria provided, multiple submitters, no conflicts (2 of 4 stars). 2 submissions from 2 submitters: Uncertain significance (2). Last evaluated 2025-07-03.

Conditions:
Cardiovascular phenotype. Identifiers: MedGen CN230736.

Allele frequency attached by ClinVar (database versions not stated): gnomAD 0.00001; gnomAD exomes 0.00001; ExAC 0.00003.
gnomAD v4.1: 18 of 1,612,508 alleles (0.0011%); highest among the groups gnomAD compares: Non-Finnish European, 0.0015%; no homozygotes.

Submissions (2):

Labcorp Genetics (formerly Invitae), Labcorp
Classification: Uncertain significance. Last evaluated: 2025-07-03. Review status: criteria provided, single submitter. Criteria: Invitae Variant Classification Sherloc (09022015). Collection method: clinical testing. Allele origin: germline.
Comment: This sequence change replaces serine, which is neutral and polar, with proline, which is neutral and non-polar, at codon 29 of the TBX20 protein (p.Ser29Pro). This variant is present in population databases (rs759297040, gnomAD 0.003%). This variant has not been reported in the literature in individuals affected with TBX20-related conditions. ClinVar contains an entry for this variant (Variation ID: 1764014). An algorithm developed to predict the effect of missense changes on protein structure and function outputs the following: PolyPhen-2: "Benign". The proline amino acid residue is found in multiple mammalian species, which suggests that this missense change does not adversely affect protein function. In summary, the available evidence is currently insufficient to determine the role of this variant in disease. Therefore, it has been classified as a Variant of Uncertain Significance.

Ambry Genetics
Classification: Uncertain significance for Cardiovascular phenotype. Last evaluated: 2021-10-29. Review status: criteria provided, single submitter. Criteria: Ambry Variant Classification Scheme 2023. Collection method: clinical testing. Allele origin: germline.
Comment: The p.S29P variant (also known as c.85T>C), located in coding exon 1 of the TBX20 gene, results from a T to C substitution at nucleotide position 85. The serine at codon 29 is replaced by proline, an amino acid with similar properties. This amino acid position is conserved. In addition, this alteration is predicted to be tolerated by in silico analysis. Since supporting evidence is limited at this time, the clinical significance of this alteration remains unclear.

NM_001077653.2(TBX20):c.85T>C (p.Ser29Pro)

Gene: TBX20 (T-box transcription factor 20; minus strand). Cytogenetic location: 7p14.2.
Variant type: single nucleotide variant.
Coding change: c.85T>C on transcript NM_001077653.2 (MANE Select); coding-DNA position 85, T replaced by C.
Protein change: p.Ser29Pro; replaces serine 29 with proline.
Molecular consequence: missense variant.
Genome position (GRCh38, 1-based): chr7:35,253,536, A>G on the plus strand (T>C on the coding strand, the complement: TBX20 is on the minus strand). VCF-style: chr7-35253536-A-G. GRCh37 (hg19) VCF-style: chr7-35293147-A-G.
Other names: c.85T>C, p.Ser29Pro (NM_001166220.1); short protein forms S29P.
Identifiers: ClinVar variation 1764014 (VCV001764014.3), dbSNP rs759297040, ClinGen allele CA4217603.